The following is an entry in ClinVar:

ClinVar aggregate classification (germline): Uncertain significance. Review status: criteria provided, multiple submitters, no conflicts (2 of 4 stars). 3 submissions from 3 submitters: Uncertain significance (2). 1 of the submissions does not count toward it. Last evaluated 2026-08-27.

Conditions:
Cardiovascular phenotype. Identifiers: MedGen CN230736.
Duchenne muscular dystrophy (DMD). Also called: MUSCULAR DYSTROPHY, PSEUDOHYPERTROPHIC PROGRESSIVE, DUCHENNE TYPE; Duchenne Muscular Dystrophy (DMD). Identifiers: Orphanet 98896, MedGen C0013264, MONDO:0010679, OMIM 310200.
Dystrophin deficiency.
Becker muscular dystrophy (BMD). Also called: MUSCULAR DYSTROPHY, PSEUDOHYPERTROPHIC PROGRESSIVE, BECKER TYPE; Becker Muscular Dystrophy (BMD). Identifiers: Orphanet 98895, MedGen C0917713, MONDO:0010311, OMIM 300376.
Cardiomyopathy (CMYO). Also called: Cardiomyopathies. Identifiers: Orphanet 167848, MedGen C0878544, MONDO:0004994, HP:0001638. Inheritance: Various modes of inheritance.

Allele frequency attached by ClinVar (database versions not stated): gnomAD exomes 0.00001 and below 0.00001; TOPMed below 0.00001; ExAC 0.00001; gnomAD 0.00002.
gnomAD v4.1: 4 of 1,208,759 alleles (0.00033%); highest among the groups gnomAD compares: South Asian, 0.0018%; no homozygotes.

Submissions (3):

Ambry Genetics
Classification: Uncertain significance for Cardiovascular phenotype. Last evaluated: 2026-08-27. Review status: criteria provided, single submitter. Criteria: Ambry Variant Classification Scheme 2023. Collection method: clinical testing. Allele origin: germline.
Comment: The p.R811W variant (also known as c.2431C>T), located in coding exon 20 of the DMD gene, results from a C to T substitution at nucleotide position 2431. The arginine at codon 811 is replaced by tryptophan, an amino acid with dissimilar properties. This amino acid position is highly conserved in available vertebrate species. In addition, the in silico prediction for this alteration is inconclusive. Based on data from gnomAD, the T allele has an overall frequency of 0.0011% (2/182084) total alleles studied, with no hemizygote(s) observed. The highest observed frequency was 0.0076% (1/13104) of African/African American alleles. Based on the available evidence, the clinical significance of this variant remains unclear.

Labcorp Genetics (formerly Invitae), Labcorp
Classification: Uncertain significance for Duchenne muscular dystrophy. Last evaluated: 2025-05-15. Review status: criteria provided, single submitter. Criteria: Invitae Variant Classification Sherloc (09022015). Collection method: clinical testing. Allele origin: germline.
Comment: This sequence change replaces arginine, which is basic and polar, with tryptophan, which is neutral and slightly polar, at codon 811 of the DMD protein (p.Arg811Trp). This variant is present in population databases (rs781482969, gnomAD 0.008%). This variant has not been reported in the literature in individuals affected with DMD-related conditions. ClinVar contains an entry for this variant (Variation ID: 962982). Invitae Evidence Modeling of protein sequence and biophysical properties (such as structural, functional, and spatial information, amino acid conservation, physicochemical variation, residue mobility, and thermodynamic stability) indicates that this missense variant is not expected to disrupt DMD protein function with a negative predictive value of 95%. In summary, the available evidence is currently insufficient to determine the role of this variant in disease. Therefore, it has been classified as a Variant of Uncertain Significance.

Natera, Inc.
Classification: Uncertain significance for Becker muscular dystrophy; Cardiomyopathy; Duchenne muscular dystrophy; Dystrophin deficiency. Last evaluated: 2020-08-14. Review status: no assertion criteria provided. Collection method: clinical testing. Allele origin: germline. Not counted in ClinVar's aggregate classification.

NM_004006.3(DMD):c.2431C>T (p.Arg811Trp)

Gene: DMD (dystrophin; minus strand). Cytogenetic location: Xp21.1.
Variant type: single nucleotide variant.
Coding change: c.2431C>T on transcript NM_004006.3 (MANE Select); coding-DNA position 2431, C replaced by T.
Protein change: p.Arg811Trp; replaces arginine 811 with tryptophan.
Molecular consequence: missense variant.
Genome position (GRCh38, 1-based): chrX:32,491,468, G>A on the plus strand (C>T on the coding strand, the complement: DMD is on the minus strand). VCF-style: chrX-32491468-G-A. GRCh37 (hg19) VCF-style: chrX-32509585-G-A.
Other names: c.2407C>T, p.Arg803Trp (NM_000109.4); c.2419C>T, p.Arg807Trp (NM_004009.3); c.2062C>T, p.Arg688Trp (NM_004010.3); short protein forms R688W, R811W, R803W, R807W.
Identifiers: ClinVar variation 962982 (VCV000962982.8), dbSNP rs781482969, ClinGen allele CA10379516.